The following is an entry in ClinVar:

NM_001999.4(FBN2):c.3769T>G (p.Cys1257Gly)

Gene: FBN2 (fibrillin 2; minus strand). Cytogenetic location: 5q23.3.
Variant type: single nucleotide variant.
Coding change: c.3769T>G on transcript NM_001999.4 (MANE Select); coding-DNA position 3769, T replaced by G.
Protein change: p.Cys1257Gly; replaces cysteine 1257 with glycine.
Molecular consequence: missense variant.
Genome position (GRCh38, 1-based): chr5:128,335,533, A>C on the plus strand (T>G on the coding strand, the complement: FBN2 is on the minus strand). VCF-style: chr5-128335533-A-C. GRCh37 (hg19) VCF-style: chr5-127671225-A-C.
Other names: short protein forms C1257G.
Identifiers: ClinVar variation 859756 (VCV000859756.10), dbSNP rs1750812513, ClinGen allele CA360758065.
Genomic context (GRCh38, chr5:128,335,533, plus strand): 5'-CTGGCATCAGGGCATAACCCTCACTGCAGCTGCATTCGTAGCTTCCCTCTGAATTTGTGC[A>C]CTGGGTGTCACAGCCTCCGTTCATTATCATACATTCATCAATATCTGTGAAAACAGCATT-3'
Protein context (NP_001990.2, residues 1247-1267): MIMNGGCDTQ[Cys1257Gly]TNSEGSYECS

ClinVar aggregate classification (germline): Pathogenic (1 of 4 stars; one submission).

Conditions:
Congenital contractural arachnodactyly (CCA). Also called: BEALS SYNDROME; Beals-Hecht syndrome; Arthrogryposis, distal, type 9. Identifiers: Orphanet 115, MedGen C0220668, MONDO:0007363, OMIM 121050.

Submission:

Labcorp Genetics (formerly Invitae), Labcorp
Classification: Pathogenic for Congenital contractural arachnodactyly. Last evaluated: 2022-03-29. Review status: criteria provided, single submitter. Criteria: Invitae Variant Classification Sherloc (09022015). Collection method: clinical testing. Allele origin: germline.
Comment: ClinVar contains an entry for this variant (Variation ID: 859756). For these reasons, this variant has been classified as Pathogenic. This variant disrupts the p.Cys1257 amino acid residue in FBN2. Other variant(s) that disrupt this residue have been observed in individuals with FBN2-related conditions (PMID: 27196565), which suggests that this may be a clinically significant amino acid residue. This variant affects a cysteine residue located within an epidermal growth factor (EGF)–like domain of the FBN2 protein. Cysteine residues in these domains are involved in the formation of disulfide bridges critical for protein structure and stability (PMID: 3495735, 4750422, 16677079). In addition, missense substitutions within the FBN2 EGF-like domains affecting cysteine residues are overrepresented in patients with congenital contractural arachnodactyly (PMID: 18767143). Advanced modeling of protein sequence and biophysical properties (such as structural, functional, and spatial information, amino acid conservation, physicochemical variation, residue mobility, and thermodynamic stability) performed at Invitae indicates that this missense variant is expected to disrupt FBN2 protein function. This missense change has been observed in individuals with clinical features of congenital contractural arachnodactyly (Invitae). This variant is not present in population databases (gnomAD no frequency). This sequence change replaces cysteine, which is neutral and slightly polar, with glycine, which is neutral and non-polar, at codon 1257 of the FBN2 protein (p.Cys1257Gly).

Literature cited by the submitters: PubMed 27196565; PubMed 3495735; PubMed 4750422; PubMed 16677079; PubMed 18767143.